The following is an entry in ClinVar:

NM_002087.4(GRN):c.493T>C (p.Cys165Arg)

Gene: GRN (granulin precursor; plus strand). Cytogenetic location: 17q21.31.
Variant type: single nucleotide variant.
Coding change: c.493T>C on transcript NM_002087.4 (MANE Select); coding-DNA position 493, T replaced by C.
Protein change: p.Cys165Arg; replaces cysteine 165 with arginine.
Molecular consequence: missense variant.
Genome position (GRCh38, 1-based): chr17:44,350,472, T>C. VCF-style: chr17-44350472-T-C. GRCh37 (hg19) VCF-style: chr17-42427840-T-C.
Other names: short protein forms C165R.
Identifiers: ClinVar variation 1387164 (VCV001387164.6), dbSNP rs2143333047, ClinGen allele CA399763542.
Genomic context (GRCh38, chr17:44,350,472, plus strand): 5'-GAAGACGGAGTCAGGACCATTTTTTCTCAGGCTTCCTGCTGTGAAGACAGGGTGCACTGC[T>C]GTCCGCACGGTGCCTTCTGCGACCTGGTTCACACCCGCTGCATCACACCCACGGGCACCC-3'
Protein context (NP_002078.1, residues 155-175): ASCCEDRVHC[Cys165Arg]PHGAFCDLVH

ClinVar aggregate classification (germline): Uncertain significance (1 of 4 stars; one submission).

Conditions:
GRN-related frontotemporal lobar degeneration with Tdp43 inclusions (FTD2). Also called: DEMENTIA, HEREDITARY DYSPHASIC DISINHIBITION; FRONTOTEMPORAL LOBAR DEGENERATION WITH UBIQUITIN-POSITIVE INCLUSIONS; FTLD-TDP, GRN-RELATED; GRN Frontotemporal Dementia; FRONTOTEMPORAL DEMENTIA WITH TDP43 INCLUSIONS, GRN-RELATED. Identifiers: Orphanet 100070, Orphanet 282, MedGen C1843792, MONDO:0011842, OMIM 607485. Disease mechanism: loss of function.
Neuronal ceroid lipofuscinosis 11. Also called: GRN-Related Neuronal Ceroid-Lipofuscinosis. Identifiers: Orphanet 314629, Orphanet 79262, MedGen C3539123, MONDO:0013866, OMIM 614706.

Allele frequency attached by ClinVar (database versions not stated): gnomAD exomes below 0.00001.
gnomAD v4.1: 1 of 1,613,982 alleles (0.000062%); highest among the groups gnomAD compares: Non-Finnish European, 0.000085%; no homozygotes.

Submission:

Labcorp Genetics (formerly Invitae), Labcorp
Classification: Uncertain significance for Neuronal ceroid lipofuscinosis 11; GRN-related frontotemporal lobar degeneration with Tdp43 inclusions. Last evaluated: 2021-10-15. Review status: criteria provided, single submitter. Criteria: Invitae Variant Classification Sherloc (09022015). Collection method: clinical testing. Allele origin: germline.
Comment: In summary, the available evidence is currently insufficient to determine the role of this variant in disease. Therefore, it has been classified as a Variant of Uncertain Significance. Algorithms developed to predict the effect of missense changes on protein structure and function are either unavailable or do not agree on the potential impact of this missense change (SIFT: "Deleterious"; PolyPhen-2: "Probably Damaging"; Align-GVGD: "Class C0"). This variant has not been reported in the literature in individuals affected with GRN-related conditions. This variant is not present in population databases (ExAC no frequency). This sequence change replaces cysteine with arginine at codon 165 of the GRN protein (p.Cys165Arg). The cysteine residue is moderately conserved and there is a large physicochemical difference between cysteine and arginine.